The following is an entry in ClinVar:

ClinVar aggregate classification (germline): Uncertain significance. Review status: criteria provided, multiple submitters, no conflicts (2 of 4 stars). 2 submissions from 2 submitters: Uncertain significance (2). Last evaluated 2023-06-12.

Conditions:
Marfan syndrome (MFS). Also called: FBN1-Related Marfan Syndrome; MARFAN SYNDROME, TYPE I; Marfan syndrome type 1; Marfan's syndrome; Marfan syndrome, classic. Identifiers: Orphanet 284963, Orphanet 558, MedGen C0024796, MONDO:0007947, OMIM 154700.
Familial thoracic aortic aneurysm and aortic dissection (TAAD). Also called: Thoracic aortic aneurysms and dissections. Identifiers: Orphanet 91387, MedGen C4707243, MONDO:0019625.

Allele frequency attached by ClinVar (database versions not stated): gnomAD exomes 0.00001.
gnomAD v4.1: 3 of 1,614,152 alleles (0.00019%); highest among the groups gnomAD compares: Non-Finnish European, 0.00025%; no homozygotes.

Submissions (2):

Labcorp Genetics (formerly Invitae), Labcorp
Classification: Uncertain significance for Marfan syndrome; Familial thoracic aortic aneurysm and aortic dissection. Last evaluated: 2023-06-12. Review status: criteria provided, single submitter. Criteria: Invitae Variant Classification Sherloc (09022015). Collection method: clinical testing. Allele origin: germline.
Comment: In summary, the available evidence is currently insufficient to determine the role of this variant in disease. Therefore, it has been classified as a Variant of Uncertain Significance. Advanced modeling of protein sequence and biophysical properties (such as structural, functional, and spatial information, amino acid conservation, physicochemical variation, residue mobility, and thermodynamic stability) performed at Invitae indicates that this missense variant is not expected to disrupt FBN1 protein function. ClinVar contains an entry for this variant (Variation ID: 1000150). This variant has not been reported in the literature in individuals affected with FBN1-related conditions. This variant is not present in population databases (gnomAD no frequency). This sequence change replaces valine, which is neutral and non-polar, with leucine, which is neutral and non-polar, at codon 189 of the FBN1 protein (p.Val189Leu).

GeneDx
Classification: Uncertain significance. Last evaluated: 2020-11-10. Review status: criteria provided, single submitter. Criteria: GeneDx Variant Classification Process June 2021. Collection method: clinical testing. Allele origin: germline. Affected: yes.
Comment: Not observed in large population cohorts (Lek et al., 2016); In silico analysis supports that this missense variant does not alter protein structure/function; Has not been previously published as pathogenic or benign to our knowledge

NM_000138.5(FBN1):c.565G>T (p.Val189Leu)

Gene: FBN1 (fibrillin 1; minus strand). Cytogenetic location: 15q21.1.
Variant type: single nucleotide variant.
Coding change: c.565G>T on transcript NM_000138.5 (MANE Select); coding-DNA position 565, G replaced by T.
Protein change: p.Val189Leu; replaces valine 189 with leucine.
Molecular consequence: missense variant.
Genome position (GRCh38, 1-based): chr15:48,537,782, C>A on the plus strand (G>T on the coding strand, the complement: FBN1 is on the minus strand). VCF-style: chr15-48537782-C-A. GRCh37 (hg19) VCF-style: chr15-48829979-C-A.
Other names: short protein forms V189L.
Identifiers: ClinVar variation 1000150 (VCV001000150.10), dbSNP rs2044026712, ClinGen allele CA392446143.